The following is an entry in ClinVar:

ClinVar aggregate classification (germline): Uncertain significance (1 of 4 stars; one submission).

Conditions:
Hereditary cancer-predisposing syndrome. Also called: Hereditary neoplastic syndrome; Hereditary Cancer Syndrome; Neoplastic Syndromes, Hereditary; Tumor predisposition. Identifiers: Orphanet 140162, MedGen C0027672, MeSH D009386, MONDO:0015356.

Submission:

Color Diagnostics, LLC DBA Color Health
Classification: Uncertain significance for Hereditary cancer-predisposing syndrome. Last evaluated: 2022-01-25. Review status: criteria provided, single submitter. Criteria: ACMG Guidelines, 2015. Collection method: clinical testing. Allele origin: germline.
Comment: This missense variant replaces aspartic acid with glutamic acid at codon 2 of the PALB2 protein. Computational prediction suggests that this variant may not impact protein structure and function (internally defined REVEL score threshold <= 0.5, PMID: 27666373). To our knowledge, functional studies have not been reported for this variant. This variant has not been reported in individuals affected with hereditary cancer in the literature. This variant has not been identified in the general population by the Genome Aggregation Database (gnomAD). The available evidence is insufficient to determine the role of this variant in disease conclusively. Therefore, this variant is classified as a Variant of Uncertain Significance.

NM_024675.4(PALB2):c.6C>A (p.Asp2Glu)

Gene: PALB2 (partner and localizer of BRCA2; minus strand). Cytogenetic location: 16p12.2.
Variant type: single nucleotide variant.
Coding change: c.6C>A on transcript NM_024675.4 (MANE Select); coding-DNA position 6, C replaced by A.
Protein change: p.Asp2Glu; replaces aspartic acid 2 with glutamic acid.
Molecular consequence: missense variant. On other transcripts: 5 prime UTR variant (10).
Genome position (GRCh38, 1-based): chr16:23,641,152, G>T on the plus strand (C>A on the coding strand, the complement: PALB2 is on the minus strand). VCF-style: chr16-23641152-G-T. GRCh37 (hg19) VCF-style: chr16-23652473-G-T.
Other names: c.6C>A, p.Asp2Glu (NM_001407296.1, NM_001407297.1, NM_001407298.1 and 5 more transcripts); c.-1738C>A (NM_001407304.1, NM_001407310.1); c.-1014C>A (NM_001407305.1, NM_001407307.1, NM_001407309.1 and 1 more transcripts); c.-863C>A (NM_001407306.1, NM_001407308.1); c.-147C>A (NM_001407312.1, NM_001407313.1); short protein forms D2E.
Identifiers: ClinVar variation 2774028 (VCV002774028.2), dbSNP rs1302088447, ClinGen allele CA395141246.
Genomic context (GRCh38, chr16:23,641,152, plus strand): 5'-TTCCCGCACCCCCGGCACCTTTTCCTTCTCCTCACAGCTGAGGGGCTTCCCGGGAGGCTC[G>T]TCCATCGGGCAGGCGACAGAACGAAAAGAGCAGCCGTCGCCGACCCCAGGCCTGCCGACA-3'
Protein context (NP_078951.2, residues 1-12): M[Asp2Glu]EPPGKPLSCE